The following is an entry in ClinVar:

NM_001367721.1(CASK):c.565G>C (p.Glu189Gln)

Gene: CASK (calcium/calmodulin dependent serine protein kinase; minus strand). Cytogenetic location: Xp11.4.
Variant type: single nucleotide variant.
Coding change: c.565G>C on transcript NM_001367721.1 (MANE Select); coding-DNA position 565, G replaced by C.
Protein change: p.Glu189Gln; replaces glutamic acid 189 with glutamine.
Molecular consequence: missense variant.
Genome position (GRCh38, 1-based): chrX:41,665,420, C>G on the plus strand (G>C on the coding strand, the complement: CASK is on the minus strand). VCF-style: chrX-41665420-C-G. GRCh37 (hg19) VCF-style: chrX-41524673-C-G.
Other names: c.565G>C, p.Glu189Gln (NM_001126054.3, NM_001126055.3, NM_001410745.1 and 1 more transcripts); short protein forms E189Q.
Identifiers: ClinVar variation 1709862 (VCV001709862.2), dbSNP rs2519216205, ClinGen allele CA412998412.

ClinVar aggregate classification (germline): Uncertain significance (1 of 4 stars; one submission).

Conditions:
Syndromic X-linked intellectual disability Najm type (MICPCH). Also called: MICPCH SYNDROME; Intellectual developmental disorder and microcephaly with pontine and cerebellar hypoplasia; Mental retardation and microcephaly with pontine and cerebellar hypoplasia; MENTAL RETARDATION, X-LINKED, SYNDROMIC, NAJM TYPE; Intellectual Disability and Microcephaly with Pontine and Cerebellar Hypoplasia (MICPCH); Intellectual Disability and Microcephaly with Pontine and Cerebellar Hypoplasia. Identifiers: Orphanet 163937, MedGen C2677903, MONDO:0010417, OMIM 300749.

Submission:

MGZ Medical Genetics Center
Classification: Uncertain significance for Syndromic X-linked intellectual disability Najm type. Last evaluated: 2021-10-01. Review status: criteria provided, single submitter. Criteria: ACMG Guidelines, 2015. Collection method: clinical testing. Allele origin: germline. Affected: yes. Observed: 1 variant allele.
Comment: ACMG criteria applied: PM2_SUP, PP3